The following is an entry in ClinVar:

ClinVar aggregate classification (germline): Likely benign (0 of 4 stars; one submission).

Conditions:
CLEC7A-related disorder. Also called: CLEC7A-related condition.

Allele frequency attached by ClinVar (database versions not stated): gnomAD exomes 0.00001; ExAC 0.00003; gnomAD 0.00006; ESP Exome Variant Server 0.00008; TOPMed 0.00009.
gnomAD v4.1: 20 of 1,344,770 alleles (0.0015%); highest among the groups gnomAD compares: African/African-American, 0.027%; no homozygotes.

Submission:

PreventionGenetics, part of Exact Sciences
Classification: Likely benign for CLEC7A-related condition. Last evaluated: 2019-08-09. Review status: no assertion criteria provided. Collection method: clinical testing. Allele origin: germline.
Comment: This variant is classified as likely benign based on ACMG/AMP sequence variant interpretation guidelines (Richards et al. 2015 PMID: 25741868, with internal and published modifications).

NM_197947.3(CLEC7A):c.493-10T>C

Gene: CLEC7A (C-type lectin domain containing 7A; minus strand). Cytogenetic location: 12p13.2.
Variant type: single nucleotide variant.
Coding change: c.493-10T>C on transcript NM_197947.3 (MANE Select); 10 bases into the intron before coding-DNA position 493, T replaced by C.
Molecular consequence: intron variant.
Genome position (GRCh38, 1-based): chr12:10,123,373, A>G on the plus strand (T>C on the coding strand, the complement: CLEC7A is on the minus strand). VCF-style: chr12-10123373-A-G. GRCh37 (hg19) VCF-style: chr12-10275972-A-G.
Other names: c.256-10T>C (NM_197950.3); c.354+1924T>C (NM_197949.3); c.355-10T>C (NM_022570.5); c.492+1924T>C (NM_197948.3).
Identifiers: ClinVar variation 3035819 (VCV003035819.2), dbSNP rs369160278, ClinGen allele CA6443945.
Genomic context (GRCh38, chr12:10,123,373, plus strand): 5'-TATCCAAAATGAATTATCAGGTTGGGAAGACACTTGTTTTACTATAAATCCCTGTAATGA[A>G]ACATATACAAATATATAATAAAGAGAGAGAGAGAGAGAGAAAGAAACTATTATCATGGAC-3'